The following is an entry in ClinVar:

ClinVar aggregate classification (germline): Uncertain significance. Review status: criteria provided, multiple submitters, no conflicts (2 of 4 stars). 4 submissions from 4 submitters: Uncertain significance (4). Last evaluated 2025-06-02.

Conditions:
Inborn genetic diseases. Identifiers: MedGen C0950123, MeSH D030342.
Cerebroretinal microangiopathy with calcifications and cysts 1 (CRMCC1). Identifiers: Orphanet 313838, MedGen C4552029, MONDO:0024564, OMIM 612199.
Dyskeratosis congenita. Identifiers: Orphanet 1775, MedGen C0265965, MONDO:0015780.

Allele frequency attached by ClinVar (database versions not stated): gnomAD exomes 0.00002 and 0.00004; ExAC 0.00003; gnomAD 0.00006 and 0.00008; TOPMed 0.00006; ESP Exome Variant Server 0.00025.

Submissions (4):

GeneDx
Classification: Uncertain significance. Last evaluated: 2025-06-02. Review status: criteria provided, single submitter. Criteria: GeneDx Variant Classification Process June 2021. Collection method: clinical testing. Allele origin: germline. Affected: yes.
Comment: In silico analysis supports that this missense variant has a deleterious effect on protein structure/function; Has not been previously published as pathogenic or benign to our knowledge

Ambry Genetics
Classification: Uncertain significance for Inborn genetic diseases. Last evaluated: 2025-01-17. Review status: criteria provided, single submitter. Criteria: Ambry Variant Classification Scheme 2023. Collection method: clinical testing. Allele origin: germline.

Fulgent Genetics
Classification: Uncertain significance for Cerebroretinal microangiopathy with calcifications and cysts 1. Last evaluated: 2023-12-22. Review status: criteria provided, single submitter. Criteria: ACMG Guidelines, 2015. Collection method: clinical testing. Allele origin: germline.

Labcorp Genetics (formerly Invitae), Labcorp
Classification: Uncertain significance for Dyskeratosis congenita. Last evaluated: 2023-12-04. Review status: criteria provided, single submitter. Criteria: Invitae Variant Classification Sherloc (09022015). Collection method: clinical testing. Allele origin: germline.
Comment: This sequence change replaces arginine, which is basic and polar, with tryptophan, which is neutral and slightly polar, at codon 966 of the CTC1 protein (p.Arg966Trp). This variant is present in population databases (rs200208356, gnomAD 0.03%). This variant has not been reported in the literature in individuals affected with CTC1-related conditions. ClinVar contains an entry for this variant (Variation ID: 949014). Advanced modeling of protein sequence and biophysical properties (such as structural, functional, and spatial information, amino acid conservation, physicochemical variation, residue mobility, and thermodynamic stability) performed at Invitae indicates that this missense variant is expected to disrupt CTC1 protein function with a positive predictive value of 80%. In summary, the available evidence is currently insufficient to determine the role of this variant in disease. Therefore, it has been classified as a Variant of Uncertain Significance.

NM_025099.6(CTC1):c.2896C>T (p.Arg966Trp)

Gene: CTC1 (CST telomere replication complex component 1; minus strand). Cytogenetic location: 17p13.1.
Variant type: single nucleotide variant.
Coding change: c.2896C>T on transcript NM_025099.6 (MANE Select); coding-DNA position 2896, C replaced by T.
Protein change: p.Arg966Trp; replaces arginine 966 with tryptophan.
Molecular consequence: missense variant. On other transcripts: non-coding transcript variant (1).
Genome position (GRCh38, 1-based): chr17:8,230,331, G>A on the plus strand (C>T on the coding strand, the complement: CTC1 is on the minus strand). VCF-style: chr17-8230331-G-A. GRCh37 (hg19) VCF-style: chr17-8133649-G-A.
Other names: short protein forms R966W.
Identifiers: ClinVar variation 949014 (VCV000949014.9), dbSNP rs200208356, ClinGen allele CA8371951.
Genomic context (GRCh38, chr17:8,230,331, plus strand): 5'-CAGGTGACACTACACATCTTCACCTGGAAACCCTTTTCTCCAACTGGCTGAAGTGGACCC[G>A]GGCTCCTGGAAGTAGTCCTAGTGAGGGAGGCAAGTGTGGGTCTTCTATATATACATCCAG-3'
Protein context (NP_079375.3, residues 956-976): PPSLGLLPGA[Arg966Trp]VHFSQLEKRV